The following is an entry in ClinVar:

ClinVar aggregate classification (germline): Uncertain significance (1 of 4 stars; one submission).

Conditions:
Idiopathic Pulmonary Fibrosis. Also called: Idiopathic fibrosing alveolitis, chronic form; idiopathic fibrosing alveolitis. Identifiers: Orphanet 2032, MedGen C1800706, MeSH D054990, MONDO:0800504.
Dyskeratosis congenita, autosomal dominant 2. Identifiers: MedGen C3151443, MONDO:0013521, OMIM 613989.

Submission:

Labcorp Genetics (formerly Invitae), Labcorp
Classification: Uncertain significance for Dyskeratosis congenita, autosomal dominant 2; Idiopathic Pulmonary Fibrosis. Last evaluated: 2022-04-28. Review status: criteria provided, single submitter. Criteria: Invitae Variant Classification Sherloc (09022015). Collection method: clinical testing. Allele origin: germline.
Comment: In summary, the available evidence is currently insufficient to determine the role of this variant in disease. Therefore, it has been classified as a Variant of Uncertain Significance. Advanced modeling of protein sequence and biophysical properties (such as structural, functional, and spatial information, amino acid conservation, physicochemical variation, residue mobility, and thermodynamic stability) performed at Invitae indicates that this missense variant is not expected to disrupt TERT protein function. This variant has not been reported in the literature in individuals affected with TERT-related conditions. This variant is not present in population databases (gnomAD no frequency). This sequence change replaces threonine, which is neutral and polar, with serine, which is neutral and polar, at codon 655 of the TERT protein (p.Thr655Ser).

NM_198253.3(TERT):c.1964C>G (p.Thr655Ser)

Gene: TERT (telomerase reverse transcriptase; minus strand). Cytogenetic location: 5p15.33.
Variant type: single nucleotide variant.
Coding change: c.1964C>G on transcript NM_198253.3 (MANE Select); coding-DNA position 1964, C replaced by G.
Protein change: p.Thr655Ser; replaces threonine 655 with serine.
Molecular consequence: missense variant. On other transcripts: non-coding transcript variant (2).
Genome position (GRCh38, 1-based): chr5:1,279,457, G>C on the plus strand (C>G on the coding strand, the complement: TERT is on the minus strand). VCF-style: chr5-1279457-G-C. GRCh37 (hg19) VCF-style: chr5-1279572-G-C.
Other names: c.1964C>G, p.Thr655Ser (NM_001193376.3, NM_003219.1); short protein forms T655S.
Identifiers: ClinVar variation 2131336 (VCV002131336.4), dbSNP rs2126642347, ClinGen allele CA359080863.